The following is an entry in ClinVar:

ClinVar aggregate classification (germline): Uncertain significance. Review status: criteria provided, single submitter (1 of 4 stars). 2 submissions from 2 submitters: Uncertain significance (1). 1 of the submissions does not count toward it. Last evaluated 2024-06-26.

Conditions:
PLXNA2-related disorder. Also called: PLXNA2-related condition.

gnomAD v4.1: 58 of 1,613,904 alleles (0.0036%); highest among the groups gnomAD compares: Non-Finnish European, 0.0047%; no homozygotes.

Submissions (2):

Ambry Genetics
Classification: Uncertain significance. Last evaluated: 2024-06-26. Review status: criteria provided, single submitter. Criteria: Ambry Variant Classification Scheme 2023. Collection method: clinical testing. Allele origin: germline.

PreventionGenetics, part of Exact Sciences
Classification: Uncertain significance for PLXNA2-related condition. Last evaluated: 2023-11-22. Review status: no assertion criteria provided. Collection method: clinical testing. Allele origin: germline. Not counted in ClinVar's aggregate classification.
Comment: The PLXNA2 c.4825G>C variant is predicted to result in the amino acid substitution p.Ala1609Pro. To our knowledge, this variant has not been reported in the literature. This variant is reported in 0.0040% of alleles in individuals of African descent in gnomAD. At this time, the clinical significance of this variant is uncertain due to the absence of conclusive functional and genetic evidence.

NM_025179.4(PLXNA2):c.4825G>C (p.Ala1609Pro)

Gene: PLXNA2 (plexin A2; minus strand). Cytogenetic location: 1q32.2.
Variant type: single nucleotide variant.
Coding change: c.4825G>C on transcript NM_025179.4 (MANE Select); coding-DNA position 4825, G replaced by C.
Protein change: p.Ala1609Pro; replaces alanine 1609 with proline.
Molecular consequence: missense variant.
Genome position (GRCh38, 1-based): chr1:208,034,532, C>G on the plus strand (G>C on the coding strand, the complement: PLXNA2 is on the minus strand). VCF-style: chr1-208034532-C-G. GRCh37 (hg19) VCF-style: chr1-208207877-C-G.
Other names: short protein forms A1609P.
Identifiers: ClinVar variation 3351582 (VCV003351582.2).
Genomic context (GRCh38, chr1:208,034,532, plus strand): 5'-GTCTGCCCTCGTGGTTCTCACCGTATCTGCTGATGGACGTCCGGGAGATGCTGGCAGAGG[C>G]AGGGATGTTGTAGGAGGAGGTCTGTTTGGGGACCAGAGCCACCACCGACCTGTCTGACAC-3'
Protein context (NP_079455.3, residues 1599-1619): PKQTSSYNIP[Ala1609Pro]SASISRTSIS